The following is an entry in ClinVar:

ClinVar aggregate classification (germline): Conflicting classifications of pathogenicity. Review status: criteria provided, conflicting classifications (1 of 4 stars). 2 submissions from 2 submitters: Uncertain significance (1); Likely benign (1). Last evaluated 2026-04-11.

Conditions:
Inborn genetic diseases. Identifiers: MedGen C0950123, MeSH D030342.
Kabuki syndrome. Also called: NIIKAWA-KUROKI SYNDROME; Kabuki make-up syndrome. Identifiers: Orphanet 2322, MedGen C0796004, MONDO:0016512.

gnomAD v4.1: 5 of 1,613,462 alleles (0.00031%); highest among the groups gnomAD compares: Admixed American, 0.0017%; no homozygotes.

Submissions (2):

Ambry Genetics
Classification: Uncertain significance for Inborn genetic diseases. Last evaluated: 2026-04-11. Review status: criteria provided, single submitter. Criteria: Ambry Variant Classification Scheme 2023. Collection method: clinical testing. Allele origin: germline.
Comment: The c.6280G>T (p.A2094S) alteration is located in exon 31 (coding exon 31) of the KMT2D gene. This alteration results from a G to T substitution at nucleotide position 6280, causing the alanine (A) at amino acid position 2094 to be replaced by a serine (S). Based on data from gnomAD, the T allele has an overall frequency of <0.001% (1/246718) total alleles studied. The highest observed frequency was 0.001% (1/110644) of European (non-Finnish) alleles. Based on insufficient or conflicting evidence, the clinical significance of this alteration remains unclear.

Labcorp Genetics (formerly Invitae), Labcorp
Classification: Likely benign for Kabuki syndrome. Last evaluated: 2025-12-11. Review status: criteria provided, single submitter. Criteria: Invitae Variant Classification Sherloc (09022015). Collection method: clinical testing. Allele origin: germline.

NM_003482.4(KMT2D):c.6280G>T (p.Ala2094Ser)

Gene: KMT2D (lysine methyltransferase 2D; minus strand). Cytogenetic location: 12q13.12.
Variant type: single nucleotide variant.
Coding change: c.6280G>T on transcript NM_003482.4 (MANE Select); coding-DNA position 6280, G replaced by T.
Protein change: p.Ala2094Ser; replaces alanine 2094 with serine.
Molecular consequence: missense variant.
Genome position (GRCh38, 1-based): chr12:49,041,490, C>A on the plus strand (G>T on the coding strand, the complement: KMT2D is on the minus strand). VCF-style: chr12-49041490-C-A. GRCh37 (hg19) VCF-style: chr12-49435273-C-A.
Other names: short protein forms A2094S.
Identifiers: ClinVar variation 4776439 (VCV004776439.2).
Genomic context (GRCh38, chr12:49,041,490, plus strand): 5'-CCAGTGCCCCTGGCTGCGGGGGAATGCGGAGATGTAGGGCCGGTCGGTCAGTCTTACGGG[C>A]TATGTCGCCCACCTTGGTCTGCTTGTTGATCTGGCTCTCAGCCTGCTACAGGGGGAGACC-3'
Protein context (NP_003473.3, residues 2084-2104): INKQTKVGDI[Ala2094Ser]RKTDRPALHL